The following is an entry in ClinVar:

ClinVar aggregate classification (germline): Uncertain significance (1 of 4 stars; one submission).

Conditions:
Zellweger spectrum disorders (ZS). Also called: Zellweger Spectrum Disorder (ZSD); Zellweger Spectrum Disorder; Zellweger Spectrum; Zellweger syndrome. Identifiers: Orphanet 912, MedGen C0043459, MONDO:0019609.

Allele frequency attached by ClinVar (database versions not stated): gnomAD exomes below 0.00001; TOPMed below 0.00001; gnomAD 0.00001.
gnomAD v4.1: 6 of 1,580,036 alleles (0.00038%); highest among the groups gnomAD compares: Non-Finnish European, 0.00043%; no homozygotes.

Submission:

Labcorp Genetics (formerly Invitae), Labcorp
Classification: Uncertain significance for Zellweger spectrum disorders. Last evaluated: 2022-07-19. Review status: criteria provided, single submitter. Criteria: Invitae Variant Classification Sherloc (09022015). Collection method: clinical testing. Allele origin: germline.
Comment: In summary, the available evidence is currently insufficient to determine the role of this variant in disease. Therefore, it has been classified as a Variant of Uncertain Significance. Algorithms developed to predict the effect of sequence changes on RNA splicing suggest that this variant may create or strengthen a splice site. This variant has not been reported in the literature in individuals affected with PEX1-related conditions. This variant is present in population databases (no rsID available, gnomAD 0.007%). This sequence change falls in intron 6 of the PEX1 gene. It does not directly change the encoded amino acid sequence of the PEX1 protein.

NM_000466.3(PEX1):c.1359+15A>G

Gene: PEX1 (peroxisomal biogenesis factor 1; minus strand). Cytogenetic location: 7q21.2.
Variant type: single nucleotide variant.
Coding change: c.1359+15A>G on transcript NM_000466.3 (MANE Select); 15 bases into the intron after coding-DNA position 1359, A replaced by G.
Molecular consequence: intron variant.
Genome position (GRCh38, 1-based): chr7:92,513,833, T>C on the plus strand (A>G on the coding strand, the complement: PEX1 is on the minus strand). VCF-style: chr7-92513833-T-C. GRCh37 (hg19) VCF-style: chr7-92143147-T-C.
Other names: c.1359+15A>G (NM_001282677.2); c.735+15A>G (NM_001282678.2).
Identifiers: ClinVar variation 1990568 (VCV001990568.4), dbSNP rs1216417031, ClinGen allele CA576307349.
Genomic context (GRCh38, chr7:92,513,833, plus strand): 5'-TACTTAGCTAAAGCAACTAGAAATCTTACAAAACGTGTAAAAGAATTTTGATGTAACATA[T>C]ATATTTGAACTCACTAAATTCTCTCTAGGTTGTAACTTTAGAGATCTTGGAATTTTAGGG-3'